The following is an entry in ClinVar:

ClinVar aggregate classification (germline): Conflicting classifications of pathogenicity. Review status: criteria provided, conflicting classifications (1 of 4 stars). 4 submissions from 4 submitters: Pathogenic (1); Likely pathogenic (1); Uncertain significance (2). Last evaluated 2025-07-16.

Conditions:
Dilated cardiomyopathy 1O (CMD1O). Also called: CARDIOMYOPATHY, DILATED, WITH VENTRICULAR TACHYCARDIA. Identifiers: Orphanet 154, MedGen C1837839, MONDO:0012062, OMIM 608569.
Cardiovascular phenotype. Identifiers: MedGen CN230736.
Cardiomyopathy (CMYO). Also called: Cardiomyopathies. Identifiers: Orphanet 167848, MedGen C0878544, MONDO:0004994, HP:0001638. Inheritance: Various modes of inheritance.

Allele frequency attached by ClinVar (database versions not stated): gnomAD exomes 0.00001; TOPMed 0.00002.
gnomAD v4.1: 9 of 1,613,366 alleles (0.00056%); highest among the groups gnomAD compares: Admixed American, 0.0033%; no homozygotes.

Submissions (4):

Labcorp Genetics (formerly Invitae), Labcorp
Classification: Pathogenic for Dilated cardiomyopathy 1O. Last evaluated: 2025-07-16. Review status: criteria provided, single submitter. Criteria: Invitae Variant Classification Sherloc (09022015). Collection method: clinical testing. Allele origin: germline.
Comment: This sequence change creates a premature translational stop signal (p.Arg620*) in the ABCC9 gene. It is expected to result in an absent or disrupted protein product. Loss-of-function variants in ABCC9 are known to be pathogenic (PMID: 31575858, 38217872). This variant is present in population databases (no rsID available, gnomAD 0.006%). This variant has not been reported in the literature in individuals affected with ABCC9-related conditions. ClinVar contains an entry for this variant (Variation ID: 632620). For these reasons, this variant has been classified as Pathogenic.

Ambry Genetics
Classification: Uncertain significance for Cardiovascular phenotype. Last evaluated: 2022-09-13. Review status: criteria provided, single submitter. Criteria: Ambry Variant Classification Scheme 2023. Collection method: clinical testing. Allele origin: germline.
Comment: The p.R620* variant (also known as c.1858C>T), located in coding exon 13 of the ABCC9 gene, results from a C to T substitution at nucleotide position 1858. This changes the amino acid from an arginine to a stop codon within coding exon 13. This alteration is expected to result in protein truncation or nonsense-mediated mRNA decay. However, loss of function of ABCC9 has not been established as a mechanism of disease. Since supporting evidence is limited at this time, the clinical significance of this alteration remains unclear.

GeneDx
Classification: Uncertain significance. Last evaluated: 2019-08-01. Review status: criteria provided, single submitter. Criteria: GeneDx Variant Classification Process June 2021. Collection method: clinical testing. Allele origin: germline. Affected: yes.
Comment: Has not been previously published as pathogenic or benign to our knowledge; Not observed at a significant frequency in large population cohorts (Lek et al., 2016); Reported in ClinVar (ClinVar Variant ID# 632620; Landrum et al., 2016); Nonsense variant predicted to result in protein truncation or nonsense mediated decay in a gene for which loss-of-function is not a known mechanism of disease; The majority of ABCC9 variants reported in HGMD are missense variants (Stenson et al., 2014)

Women's Health and Genetics/Laboratory Corporation of America, LabCorp
Classification: Likely pathogenic for Cardiomyopathy. Last evaluated: 2018-08-20. Review status: criteria provided, single submitter. Criteria: LabCorp Variant Classification Summary - May 2015. Collection method: clinical testing. Allele origin: germline.
Comment: Variant summary: ABCC9 c.1858C>T (p.Arg620X) results in a premature termination codon, predicted to cause a truncation of the encoded protein or absence of the protein due to nonsense mediated decay, which are commonly known mechanisms for disease. One truncation downstream of this position has been classified as likely pathogenic by our laboratory (eg. c.2554C>T, p.Gln852X). The variant allele was found at a frequency of 1.2e-05 in 245506 control chromosomes (gnomAD). To our knowledge, no occurrence of c.1858C>T in individuals affected with Cardiomyopathy and no experimental evidence demonstrating its impact on protein function have been reported. No clinical diagnostic laboratories have submitted clinical-significance assessments for this variant to ClinVar after 2014. Based on the evidence outlined above, the variant was classified as likely pathogenic.

Literature cited by the submitters: PubMed 31575858 (cited by Labcorp Genetics (formerly Invitae), Labcorp); PubMed 38217872 (cited by Labcorp Genetics (formerly Invitae), Labcorp); PubMed 23103869 (cited by Women's Health and Genetics/Laboratory Corporation of America, LabCorp).

NM_020297.4(ABCC9):c.1858C>T (p.Arg620Ter)

Gene: ABCC9 (ATP binding cassette subfamily C member 9; minus strand). Cytogenetic location: 12p12.1.
Variant type: single nucleotide variant.
Coding change: c.1858C>T on transcript NM_020297.4 (MANE Select); coding-DNA position 1858, C replaced by T.
Protein change: p.Arg620Ter; replaces arginine 620 with a stop codon.
Molecular consequence: nonsense.
Genome position (GRCh38, 1-based): chr12:21,887,879, G>A on the plus strand (C>T on the coding strand, the complement: ABCC9 is on the minus strand). VCF-style: chr12-21887879-G-A. GRCh37 (hg19) VCF-style: chr12-22040813-G-A.
Other names: c.1858C>T, p.Arg620Ter (NM_001377273.1, NM_005691.4); c.994C>T, p.Arg332Ter (NM_001377274.1); c.1858C>T (NM_020297.2); short protein forms R620*, R332*.
Identifiers: ClinVar variation 632620 (VCV000632620.12), dbSNP rs1024095026, ClinGen allele CA233623457.